The following is an entry in ClinVar:

ClinVar aggregate classification (germline): Pathogenic (1 of 4 stars; one submission).

Submission:

CeGaT Center for Human Genetics Tuebingen
Classification: Pathogenic. Last evaluated: 2024-09-01. Review status: criteria provided, single submitter. Criteria: CeGaT Center For Human Genetics Tuebingen Variant Classification Criteria Version 2. Collection method: clinical testing. Allele origin: germline. Affected: yes. Observed: 1 variant allele.
Comment: TBR1: PVS1, PM2

NM_006593.4(TBR1):c.967C>T (p.Gln323Ter)

Gene: TBR1 (T-box brain transcription factor 1; plus strand). Cytogenetic location: 2q24.2.
Variant type: single nucleotide variant.
Coding change: c.967C>T on transcript NM_006593.4 (MANE Select); coding-DNA position 967, C replaced by T.
Protein change: p.Gln323Ter; replaces glutamine 323 with a stop codon.
Molecular consequence: nonsense.
Genome position (GRCh38, 1-based): chr2:161,418,320, C>T. VCF-style: chr2-161418320-C-T. GRCh37 (hg19) VCF-style: chr2-162274831-C-T.
Other names: short protein forms Q323*.
Identifiers: ClinVar variation 3389597 (VCV003389597.14).